The following is an entry in ClinVar:

ClinVar aggregate classification (germline): Uncertain significance (1 of 4 stars; one submission).

Allele frequency attached by ClinVar (database versions not stated): gnomAD exomes below 0.00001 and 0.00001; TOPMed 0.00001; ExAC 0.00002.
gnomAD v4.1: 2 of 1,614,218 alleles (0.00012%); highest among the groups gnomAD compares: East Asian, 0.0022%; no homozygotes.

Submission:

Labcorp Genetics (formerly Invitae), Labcorp
Classification: Uncertain significance. Last evaluated: 2025-07-21. Review status: criteria provided, single submitter. Criteria: Invitae Variant Classification Sherloc (09022015). Collection method: clinical testing. Allele origin: germline.
Comment: This sequence change replaces serine, which is neutral and polar, with asparagine, which is neutral and polar, at codon 327 of the PITPNM3 protein (p.Ser327Asn). This variant is present in population databases (rs752130413, gnomAD 0.02%). This variant has not been reported in the literature in individuals affected with PITPNM3-related conditions. ClinVar contains an entry for this variant (Variation ID: 953154). Invitae Evidence Modeling of protein sequence and biophysical properties (such as structural, functional, and spatial information, amino acid conservation, physicochemical variation, residue mobility, and thermodynamic stability) indicates that this missense variant is not expected to disrupt PITPNM3 protein function with a negative predictive value of 80%. In summary, the available evidence is currently insufficient to determine the role of this variant in disease. Therefore, it has been classified as a Variant of Uncertain Significance.

NM_031220.4(PITPNM3):c.980G>A (p.Ser327Asn)

Gene: PITPNM3 (PITPNM family member 3; minus strand). Cytogenetic location: 17p13.2.
Variant type: single nucleotide variant.
Coding change: c.980G>A on transcript NM_031220.4 (MANE Select); coding-DNA position 980, G replaced by A.
Protein change: p.Ser327Asn; replaces serine 327 with asparagine.
Molecular consequence: missense variant.
Genome position (GRCh38, 1-based): chr17:6,477,134, C>T on the plus strand (G>A on the coding strand, the complement: PITPNM3 is on the minus strand). VCF-style: chr17-6477134-C-T. GRCh37 (hg19) VCF-style: chr17-6380454-C-T.
Other names: c.872G>A, p.Ser291Asn (NM_001165966.2); short protein forms S327N, S291N.
Identifiers: ClinVar variation 953154 (VCV000953154.9), dbSNP rs752130413, ClinGen allele CA8329653.
Genomic context (GRCh38, chr17:6,477,134, plus strand): 5'-GTGGAGGAGTCGCTCTGTTTCCGCGGCAACGGCCTCTTGGGCTCCTCATCCTCCAACCCA[C>T]TGGAGATGTCAATGTTGCTTTTGCTGAGACGCTTGCTGCTGGCCAGGCTGCAATCTTCCT-3'
Protein context (NP_112497.2, residues 317-337): RLSKSNIDIS[Ser327Asn]GLEDEEPKRP